The following is an entry in ClinVar:

ClinVar aggregate classification (germline): Uncertain significance (1 of 4 stars; one submission).

gnomAD v4.1: 3 of 1,211,263 alleles (0.00025%); highest among the groups gnomAD compares: Non-Finnish European, 0.00022%; no homozygotes.

Submission:

Labcorp Genetics (formerly Invitae), Labcorp
Classification: Uncertain significance. Last evaluated: 2024-12-29. Review status: criteria provided, single submitter. Criteria: Invitae Variant Classification Sherloc (09022015). Collection method: clinical testing. Allele origin: germline.
Comment: This sequence change replaces alanine, which is neutral and non-polar, with threonine, which is neutral and polar, at codon 26 of the MID1 protein (p.Ala26Thr). This variant is not present in population databases (gnomAD no frequency). This variant has not been reported in the literature in individuals affected with MID1-related conditions. Invitae Evidence Modeling of protein sequence and biophysical properties (such as structural, functional, and spatial information, amino acid conservation, physicochemical variation, residue mobility, and thermodynamic stability) indicates that this missense variant is not expected to disrupt MID1 protein function with a negative predictive value of 80%. In summary, the available evidence is currently insufficient to determine the role of this variant in disease. Therefore, it has been classified as a Variant of Uncertain Significance.

NM_000381.4(MID1):c.76G>A (p.Ala26Thr)

Gene: MID1 (midline 1; minus strand). Cytogenetic location: Xp22.2.
Variant type: single nucleotide variant.
Coding change: c.76G>A on transcript NM_000381.4 (MANE Select); coding-DNA position 76, G replaced by A.
Protein change: p.Ala26Thr; replaces alanine 26 with threonine.
Molecular consequence: missense variant.
Genome position (GRCh38, 1-based): chrX:10,567,472, C>T on the plus strand (G>A on the coding strand, the complement: MID1 is on the minus strand). VCF-style: chrX-10567472-C-T. GRCh37 (hg19) VCF-style: chrX-10535512-C-T.
Other names: c.76G>A, p.Ala26Thr (NM_001098624.2, NM_001193277.1, NM_001193278.1 and 5 more transcripts); short protein forms A26T.
Identifiers: ClinVar variation 3616872 (VCV003616872.2).